The following is an entry in ClinVar:

ClinVar aggregate classification (germline): Uncertain significance. Review status: criteria provided, multiple submitters, no conflicts (2 of 4 stars). 2 submissions from 2 submitters: Uncertain significance (2). Last evaluated 2025-10-09.

Conditions:
Inborn genetic diseases. Identifiers: MedGen C0950123, MeSH D030342.

Allele frequency attached by ClinVar (database versions not stated): gnomAD 0.00004 and 0.00005; ExAC 0.00006; gnomAD exomes 0.00007 and 0.00005; TOPMed 0.00009.

Submissions (2):

Labcorp Genetics (formerly Invitae), Labcorp
Classification: Uncertain significance. Last evaluated: 2025-10-09. Review status: criteria provided, single submitter. Criteria: Invitae Variant Classification Sherloc (09022015). Collection method: clinical testing. Allele origin: germline.
Comment: This sequence change replaces arginine, which is basic and polar, with glutamine, which is neutral and polar, at codon 1144 of the MCM3AP protein (p.Arg1144Gln). This variant is present in population databases (rs771809009, gnomAD 0.02%). This variant has not been reported in the literature in individuals affected with MCM3AP-related conditions. ClinVar contains an entry for this variant (Variation ID: 1521463). An algorithm developed to predict the effect of missense changes on protein structure and function (PolyPhen-2) suggests that this variant is likely to be tolerated. In summary, the available evidence is currently insufficient to determine the role of this variant in disease. Therefore, it has been classified as a Variant of Uncertain Significance.

Ambry Genetics
Classification: Uncertain significance for Inborn genetic diseases. Last evaluated: 2025-06-18. Review status: criteria provided, single submitter. Criteria: Ambry Variant Classification Scheme 2023. Collection method: clinical testing. Allele origin: germline.

NM_003906.5(MCM3AP):c.3431G>A (p.Arg1144Gln)

Gene: MCM3AP (minichromosome maintenance complex component 3 associated protein; minus strand). Cytogenetic location: 21q22.3.
Variant type: single nucleotide variant.
Coding change: c.3431G>A on transcript NM_003906.5 (MANE Select); coding-DNA position 3431, G replaced by A.
Protein change: p.Arg1144Gln; replaces arginine 1144 with glutamine.
Molecular consequence: missense variant.
Genome position (GRCh38, 1-based): chr21:46,261,316, C>T on the plus strand (G>A on the coding strand, the complement: MCM3AP is on the minus strand). VCF-style: chr21-46261316-C-T. GRCh37 (hg19) VCF-style: chr21-47681230-C-T.
Other names: c.3431G>A (NM_003906.3); short protein forms R1144Q.
Identifiers: ClinVar variation 1521463 (VCV001521463.5), dbSNP rs771809009, ClinGen allele CA10076500.